The following is an entry in ClinVar:

NM_000400.4(ERCC2):c.2134G>A (p.Glu712Lys)

Gene: ERCC2 (ERCC excision repair 2, TFIIH core complex helicase subunit; minus strand). Cytogenetic location: 19q13.32.
Variant type: single nucleotide variant.
Coding change: c.2134G>A on transcript NM_000400.4 (MANE Select); coding-DNA position 2134, G replaced by A.
Protein change: p.Glu712Lys; replaces glutamic acid 712 with lysine.
Molecular consequence: missense variant.
Genome position (GRCh38, 1-based): chr19:45,352,265, C>T on the plus strand (G>A on the coding strand, the complement: ERCC2 is on the minus strand). VCF-style: chr19-45352265-C-T. GRCh37 (hg19) VCF-style: chr19-45855523-C-T.
Other names: short protein forms E712K.
Identifiers: ClinVar variation 2479600 (VCV002479600.2), dbSNP rs775212976, ClinGen allele CA406362111.

ClinVar aggregate classification (germline): Uncertain significance (1 of 4 stars; one submission).

Conditions:
Inborn genetic diseases. Identifiers: MedGen C0950123, MeSH D030342.

Allele frequency attached by ClinVar (database versions not stated): gnomAD 0.00001.

Submission:

Ambry Genetics
Classification: Uncertain significance for Inborn genetic diseases. Last evaluated: 2022-11-16. Review status: criteria provided, single submitter. Criteria: Ambry Variant Classification Scheme 2023. Collection method: clinical testing. Allele origin: germline.
Comment: The p.E712K variant (also known as c.2134G>A), located in coding exon 22 of the ERCC2 gene, results from a G to A substitution at nucleotide position 2134. The glutamic acid at codon 712 is replaced by lysine, an amino acid with similar properties. This amino acid position is conserved. In addition, the in silico prediction for this alteration is inconclusive. Since supporting evidence is limited at this time, the clinical significance of this alteration remains unclear.